The following is an entry in ClinVar:

ClinVar aggregate classification (germline): Uncertain significance (1 of 4 stars; one submission).

Allele frequency attached by ClinVar (database versions not stated): TOPMed below 0.00001; gnomAD 0.00001.
gnomAD v4.1: 9 of 1,600,060 alleles (0.00056%); highest among the groups gnomAD compares: South Asian, 0.0034%; no homozygotes.

Submission:

Labcorp Genetics (formerly Invitae), Labcorp
Classification: Uncertain significance. Last evaluated: 2023-08-17. Review status: criteria provided, single submitter. Criteria: Invitae Variant Classification Sherloc (09022015). Collection method: clinical testing. Allele origin: germline.
Comment: In summary, the available evidence is currently insufficient to determine the role of this variant in disease. Therefore, it has been classified as a Variant of Uncertain Significance. An algorithm developed to predict the effect of missense changes on protein structure and function (PolyPhen-2) suggests that this variant is likely to be disruptive. ClinVar contains an entry for this variant (Variation ID: 2193415). This variant has not been reported in the literature in individuals affected with ARHGEF18-related conditions. The frequency data for this variant in the population databases is considered unreliable, as metrics indicate poor data quality at this position in the gnomAD database. This sequence change replaces arginine, which is basic and polar, with histidine, which is basic and polar, at codon 1070 of the ARHGEF18 protein (p.Arg1070His).

NM_001367823.1(ARHGEF18):c.3773G>A (p.Arg1258His)

Gene: ARHGEF18 (Rho/Rac guanine nucleotide exchange factor 18; plus strand). Cytogenetic location: 19p13.2.
Variant type: single nucleotide variant.
Coding change: c.3773G>A on transcript NM_001367823.1 (MANE Select); coding-DNA position 3773, G replaced by A.
Protein change: p.Arg1258His; replaces arginine 1258 with histidine.
Molecular consequence: missense variant.
Genome position (GRCh38, 1-based): chr19:7,469,117, G>A. VCF-style: chr19-7469117-G-A. GRCh37 (hg19) VCF-style: chr19-7534003-G-A.
Other names: c.3047G>A, p.Arg1016His (NM_001130955.2); c.2735G>A, p.Arg912His (NM_001367824.1, NM_015318.4); short protein forms R1258H, R912H, R1016H.
Identifiers: ClinVar variation 2193415 (VCV002193415.4), dbSNP rs1298104777, ClinGen allele CA403094692.